The following is an entry in ClinVar:

NM_013254.4(TBK1):c.1340+2dup

Gene: TBK1 (TANK binding kinase 1; plus strand). Cytogenetic location: 12q14.2.
Variant type: Duplication.
Coding change: c.1340+2dup on transcript NM_013254.4 (MANE Select); the canonical splice donor site of the intron after coding-DNA position 1340, one base duplicated (T; older notation c.1340+2dupT).
Molecular consequence: splice donor variant.
Genome position (GRCh38, 1-based): chr12:64,486,019, T duplicated. VCF-style (leftmost placement, unchanged base first): chr12-64486018-G-GT. GRCh37 (hg19) VCF-style: chr12-64879798-G-GT.
Identifiers: ClinVar variation 3619677 (VCV003619677.2).
Genomic context (GRCh38, chr12:64,486,018, plus strand): 5'-AATTGCCAGTACCTTACTGCTTTATCAGGAATTAATGCGAAAGGGGATACGATGGCTGAT[G>GT]TAAGTAATAGATTGAAATTTTGAAATTGATTTTCATGTAGACCTTGCCCCATCATTGATA-3'

ClinVar aggregate classification (germline): Uncertain significance (1 of 4 stars; one submission).

Conditions:
Frontotemporal dementia and/or amyotrophic lateral sclerosis 4. Also called: FTDALS4. Identifiers: Orphanet 275872, MedGen C4225325, MONDO:0014641, OMIM 616439.

Submission:

Labcorp Genetics (formerly Invitae), Labcorp
Classification: Uncertain significance for Frontotemporal dementia and/or amyotrophic lateral sclerosis 4. Last evaluated: 2024-10-03. Review status: criteria provided, single submitter. Criteria: Invitae Variant Classification Sherloc (09022015). Collection method: clinical testing. Allele origin: germline.
Comment: This sequence change falls in intron 11 of the TBK1 gene. It does not directly change the encoded amino acid sequence of the TBK1 protein. It affects a nucleotide within the consensus splice site. This variant is not present in population databases (gnomAD no frequency). This variant has not been reported in the literature in individuals affected with TBK1-related conditions. Variants that disrupt the consensus splice site are a relatively common cause of aberrant splicing (PMID: 17576681, 9536098). Algorithms developed to predict the effect of sequence changes on RNA splicing suggest that this variant may disrupt the consensus splice site. In summary, the available evidence is currently insufficient to determine the role of this variant in disease. Therefore, it has been classified as a Variant of Uncertain Significance.

Literature cited by the submitters: PubMed 17576681; PubMed 9536098.